The following is an entry in ClinVar:

ClinVar aggregate classification (germline): Conflicting classifications of pathogenicity. Review status: criteria provided, conflicting classifications (1 of 4 stars). 12 submissions from 12 submitters: Uncertain significance (1); Likely benign (9). 2 of the submissions do not count toward it. Last evaluated 2026-01-27.

Conditions:
Inborn genetic diseases. Identifiers: MedGen C0950123, MeSH D030342.
Agenesis of the corpus callosum with peripheral neuropathy (ACCPN). Also called: POLYNEUROPATHY, SENSORIMOTOR, WITH OR WITHOUT AGENESIS OF THE CORPUS CALLOSUM; HMSN/ACC; Hereditary Motor and Sensory Neuropathy with Agenesis of the Corpus Callosum; CHARLEVOIX DISEASE. Identifiers: Orphanet 1496, MedGen C0795950, MONDO:0000902, OMIM 218000. Disease mechanism: loss of function.

Allele frequency attached by ClinVar (database versions not stated): 1000 Genomes Project 30x 0.00047; ExAC 0.00049; gnomAD exomes 0.00049 and 0.00119; gnomAD 0.00058 and 0.00062; 1000 Genomes Project 0.00060; TOPMed 0.00066; ESP Exome Variant Server 0.00077.
gnomAD v4.1: 1,806 of 1,612,754 alleles (0.11%); highest among the groups gnomAD compares: Non-Finnish European, 0.14%; 2 homozygotes.

Submissions (12):

Labcorp Genetics (formerly Invitae), Labcorp
Classification: Likely benign. Last evaluated: 2026-01-27. Review status: criteria provided, single submitter. Criteria: Invitae Variant Classification Sherloc (09022015). Collection method: clinical testing. Allele origin: germline.

Women's Health and Genetics/Laboratory Corporation of America, LabCorp
Classification: Likely benign. Last evaluated: 2025-10-23. Review status: criteria provided, single submitter. Criteria: LabCorp Variant Classification Summary - May 2015. Collection method: clinical testing. Allele origin: germline.

Mayo Clinic Laboratories, Mayo Clinic
Classification: Likely benign. Last evaluated: 2025-10-08. Review status: criteria provided, single submitter. Criteria: ACMG Guidelines, 2015. Collection method: clinical testing. Allele origin: germline. Observed: 4 variant alleles.
Comment: BS1, BP4, BP7

CeGaT Center for Human Genetics Tuebingen
Classification: Likely benign. Last evaluated: 2025-08-01. Review status: criteria provided, single submitter. Criteria: CeGaT Center For Human Genetics Tuebingen Variant Classification Criteria Version 2. Collection method: clinical testing. Allele origin: germline. Affected: yes. Observed: 3 variant alleles.
Comment: SLC12A6: BP4, BP7

Blueprint Genetics
Classification: Likely benign. Last evaluated: 2024-09-24. Review status: criteria provided, single submitter. Criteria: ACMG Guidelines, 2015. Collection method: clinical testing. Allele origin: germline.

ARUP Laboratories, Molecular Genetics and Genomics, ARUP Laboratories
Classification: Likely benign. Last evaluated: 2024-04-23. Review status: criteria provided, single submitter. Criteria: ARUP Molecular Germline Variant Investigation Process 2024. Collection method: clinical testing. Allele origin: germline.

Ambry Genetics
Classification: Likely benign for Inborn genetic diseases. Last evaluated: 2022-03-25. Review status: criteria provided, single submitter. Criteria: Ambry Variant Classification Scheme 2023. Collection method: clinical testing. Allele origin: germline.

Genome-Nilou Lab
Classification: Likely benign for Agenesis of the corpus callosum with peripheral neuropathy. Last evaluated: 2021-07-15. Review status: criteria provided, single submitter. Criteria: ACMG Guidelines, 2015. Collection method: clinical testing. Allele origin: germline. Affected: no.

GeneDx
Classification: Likely benign. Last evaluated: 2020-02-26. Review status: criteria provided, single submitter. Criteria: GeneDx Variant Classification Process June 2021. Collection method: clinical testing. Allele origin: germline. Affected: yes.

Illumina Laboratory Services, Illumina
Classification: Uncertain significance for Agenesis of the corpus callosum with peripheral neuropathy. Last evaluated: 2018-01-12. Review status: criteria provided, single submitter. Criteria: ICSL Variant Classification Criteria 13 December 2019. Collection method: clinical testing. Allele origin: germline.

Clinical Genetics DNA and cytogenetics Diagnostics Lab, Erasmus MC, Erasmus Medical Center
Classification: Likely benign. Review status: no assertion criteria provided. Collection method: clinical testing. Allele origin: germline. Affected: yes. Study: VKGL Data-share Consensus. Not counted in ClinVar's aggregate classification.

Genome Diagnostics Laboratory, University Medical Center Utrecht
Classification: Likely benign. Review status: no assertion criteria provided. Collection method: clinical testing. Allele origin: germline. Affected: yes. Study: VKGL Data-share Consensus. Not counted in ClinVar's aggregate classification.

NM_001365088.1(SLC12A6):c.1164C>T (p.Asp388=)

Gene: SLC12A6 (solute carrier family 12 member 6; minus strand). Cytogenetic location: 15q14.
Variant type: single nucleotide variant.
Coding change: c.1164C>T on transcript NM_001365088.1 (MANE Select); coding-DNA position 1164, C replaced by T.
Protein change: p.Asp388=; no amino-acid change (aspartic acid 388 retained).
Molecular consequence: synonymous variant.
Genome position (GRCh38, 1-based): chr15:34,252,339, G>A on the plus strand (C>T on the coding strand, the complement: SLC12A6 is on the minus strand). VCF-style: chr15-34252339-G-A. GRCh37 (hg19) VCF-style: chr15-34544540-G-A.
Other names: p.Asp388=; c.987C>T, p.Asp329= (NM_001042494.2, NM_001042495.2); c.1137C>T, p.Asp379= (NM_001042496.2); c.1119C>T, p.Asp373= (NM_001042497.2); c.1011C>T, p.Asp337= (NM_005135.2); c.1164C>T, p.Asp388= (NM_133647.2).
Identifiers: ClinVar variation 379488 (VCV000379488.51), dbSNP rs145615604, ClinGen allele CA7464368.
Genomic context (GRCh38, chr15:34,252,339, plus strand): 5'-GAATCCCCATAACTTTGATGGGACTGTCATGTTGTTAATTTCCTTGGTCTTAGAGCAAAC[G>A]TCAATGTGTCTTGATGAAAGGGTGCGGTTACCCAGCATGCAGACCCTAAGTGAAAAGAAA-3'
Protein context (NP_001352017.1, residues 378-398): GNRTLSSRHI[Asp388=]VCSKTKEINN